The following is an entry in ClinVar:

NM_002936.6(RNASEH1):c.851C>A (p.Ser284Ter)

Gene: RNASEH1 (ribonuclease H1; minus strand). Cytogenetic location: 2p25.3.
Variant type: single nucleotide variant.
Coding change: c.851C>A on transcript NM_002936.6 (MANE Select); coding-DNA position 851, C replaced by A.
Protein change: p.Ser284Ter; replaces serine 284 with a stop codon.
Molecular consequence: nonsense. On other transcripts: 3 prime UTR variant (1), non-coding transcript variant (7).
Genome position (GRCh38, 1-based): chr2:3,545,795, G>T on the plus strand (C>A on the coding strand, the complement: RNASEH1 is on the minus strand). VCF-style: chr2-3545795-G-T. GRCh37 (hg19) VCF-style: chr2-3593385-G-T.
Other names: c.773C>A, p.Ser258Ter (NM_001286834.3); c.500C>A, p.Ser167Ter (NM_001286837.3); c.*46C>A (NM_001378271.1); c.848C>A, p.Ser283Ter (NM_001378272.1); c.836C>A, p.Ser279Ter (NM_001378273.1); short protein forms S284*, S167*, S258*, S283*, S279*.
Identifiers: ClinVar variation 1985730 (VCV001985730.3), dbSNP rs969163272, ClinGen allele CA345735625.

ClinVar aggregate classification (germline): Uncertain significance (1 of 4 stars; one submission).

Allele frequency attached by ClinVar (database versions not stated): gnomAD 0.00002; TOPMed 0.00002.
gnomAD v4.1: 31 of 1,612,332 alleles (0.0019%); highest among the groups gnomAD compares: Non-Finnish European, 0.0025%; no homozygotes.

Submission:

Labcorp Genetics (formerly Invitae), Labcorp
Classification: Uncertain significance. Last evaluated: 2022-04-08. Review status: criteria provided, single submitter. Criteria: Invitae Variant Classification Sherloc (09022015). Collection method: clinical testing. Allele origin: germline.
Comment: In summary, the available evidence is currently insufficient to determine the role of this variant in disease. Therefore, it has been classified as a Variant of Uncertain Significance. Experimental studies and prediction algorithms are not available or were not evaluated, and the functional significance of this variant is currently unknown. This variant has not been reported in the literature in individuals affected with RNASEH1-related conditions. This variant is present in population databases (no rsID available, gnomAD 0.002%). This sequence change creates a premature translational stop signal (p.Ser284*) in the RNASEH1 gene. While this is not anticipated to result in nonsense mediated decay, it is expected to disrupt the last 3 amino acid(s) of the RNASEH1 protein.